The following is an entry in ClinVar:

ClinVar aggregate classification (germline): Uncertain significance (1 of 4 stars; one submission).

Allele frequency attached by ClinVar (database versions not stated): gnomAD exomes below 0.00001; gnomAD 0.00001; ExAC 0.00002; TOPMed 0.00003.
gnomAD v4.1: 4 of 1,614,044 alleles (0.00025%); highest among the groups gnomAD compares: African/African-American, 0.004%; no homozygotes.

Submission:

CeGaT Center for Human Genetics Tuebingen
Classification: Uncertain significance. Last evaluated: 2023-08-01. Review status: criteria provided, single submitter. Criteria: CeGaT Center For Human Genetics Tuebingen Variant Classification Criteria Version 2. Collection method: clinical testing. Allele origin: germline. Affected: yes. Observed: 1 variant allele.
Comment: ITPR3: PM2:Supporting

NM_002224.4(ITPR3):c.7802G>A (p.Trp2601Ter)

Genes: ITPR3 (inositol 1,4,5-trisphosphate receptor type 3; plus strand), LOC126859658 (CDK7 strongly-dependent group 2 enhancer GRCh37_chr6:33662237-33663436; plus strand). Cytogenetic location: 6p21.31.
Variant type: single nucleotide variant.
Coding change: c.7802G>A on transcript NM_002224.4 (MANE Select); coding-DNA position 7802, G replaced by A.
Protein change: p.Trp2601Ter; replaces tryptophan 2601 with a stop codon.
Molecular consequence: nonsense.
Genome position (GRCh38, 1-based): chr6:33,694,940, G>A. VCF-style: chr6-33694940-G-A. GRCh37 (hg19) VCF-style: chr6-33662717-G-A.
Other names: short protein forms W2601*.
Identifiers: ClinVar variation 2578999 (VCV002578999.25), dbSNP rs762853243, ClinGen allele CA3762308.